The following is an entry in ClinVar:

NM_002439.5(MSH3):c.2078C>A (p.Ala693Asp)

Gene: MSH3 (mutS homolog 3; plus strand). Cytogenetic location: 5q14.1.
Variant type: single nucleotide variant.
Coding change: c.2078C>A on transcript NM_002439.5 (MANE Select); coding-DNA position 2078, C replaced by A.
Protein change: p.Ala693Asp; replaces alanine 693 with aspartic acid.
Molecular consequence: missense variant.
Genome position (GRCh38, 1-based): chr5:80,768,114, C>A. VCF-style: chr5-80768114-C-A. GRCh37 (hg19) VCF-style: chr5-80063933-C-A.
Other names: short protein forms A693D.
Identifiers: ClinVar variation 1785489 (VCV001785489.3), dbSNP rs2112884570, ClinGen allele CA360277989.

ClinVar aggregate classification (germline): Uncertain significance (1 of 4 stars; one submission).

Conditions:
Hereditary cancer-predisposing syndrome. Also called: Neoplastic Syndromes, Hereditary; Tumor predisposition; Hereditary Cancer Syndrome; Hereditary neoplastic syndrome. Identifiers: Orphanet 140162, MedGen C0027672, MeSH D009386, MONDO:0015356.

Submission:

Ambry Genetics
Classification: Uncertain significance for Hereditary cancer-predisposing syndrome. Last evaluated: 2025-03-01. Review status: criteria provided, single submitter. Criteria: Ambry Variant Classification Scheme 2023. Collection method: clinical testing. Allele origin: germline.
Comment: The p.A693D variant (also known as c.2078C>A), located in coding exon 14 of the MSH3 gene, results from a C to A substitution at nucleotide position 2078. The alanine at codon 693 is replaced by aspartic acid, an amino acid with dissimilar properties. This amino acid position is conserved. In addition, this alteration is predicted to be deleterious by in silico analysis. Since supporting evidence is limited at this time, the clinical significance of this alteration remains unclear.